The following is an entry in ClinVar:

ClinVar aggregate classification (germline): Pathogenic (1 of 4 stars; one submission).

Conditions:
Hereditary breast ovarian cancer syndrome. Also called: Hereditary breast and/or ovarian cancer syndrome; Hereditary breast and ovarian cancer syndrome; Breast and ovarian cancer; Hereditary breast and ovarian cancer syndrome (HBOC); BRCA1- and BRCA2-Associated Hereditary Breast and Ovarian Cancer; Hereditary breast and ovarian cancer. Identifiers: Orphanet 145, MedGen C0677776, MeSH D061325, MONDO:0003582. Disease mechanism: loss of function.

Submission:

Labcorp Genetics (formerly Invitae), Labcorp
Classification: Pathogenic for Hereditary breast ovarian cancer syndrome. Last evaluated: 2025-08-04. Review status: criteria provided, single submitter. Criteria: Invitae Variant Classification Sherloc (09022015). Collection method: clinical testing. Allele origin: germline.
Comment: This sequence change creates a premature translational stop signal (p.Lys1636*) in the BRCA2 gene. It is expected to result in an absent or disrupted protein product. Loss-of-function variants in BRCA2 are known to be pathogenic (PMID: 20104584). This variant is not present in population databases (gnomAD no frequency). This variant has not been reported in the literature in individuals affected with BRCA2-related conditions. For these reasons, this variant has been classified as Pathogenic.

Literature cited by the submitters: PubMed 20104584.

NM_000059.4(BRCA2):c.4906A>T (p.Lys1636Ter)

Gene: BRCA2 (BRCA2 DNA repair associated; plus strand). Cytogenetic location: 13q13.1.
Variant type: single nucleotide variant.
Coding change: c.4906A>T on transcript NM_000059.4 (MANE Select); coding-DNA position 4906, A replaced by T.
Protein change: p.Lys1636Ter; replaces lysine 1636 with a stop codon.
Molecular consequence: nonsense. On other transcripts: non-coding transcript variant (1), intron variant (2).
Genome position (GRCh38, 1-based): chr13:32,339,261, A>T. VCF-style: chr13-32339261-A-T. GRCh37 (hg19) VCF-style: chr13-32913398-A-T.
Other names: c.4906A>T, p.Lys1636Ter (NM_001406719.1, NM_001406720.1, NM_001432077.1); c.1910-5297A>T (NM_001406721.1); c.425-5297A>T (NM_001406722.1); short protein forms K1636*.
Identifiers: ClinVar variation 4724838 (VCV004724838.1).